The following is an entry in ClinVar:

ClinVar aggregate classification (germline): Uncertain significance (1 of 4 stars; one submission).

Conditions:
Hyperphosphatasia with impaired intellectual development syndrome 2. Also called: Hyperphosphatasia with intellectual disability syndrome 2; GLYCOSYLPHOSPHATIDYLINOSITOL BIOSYNTHESIS DEFECT 6. Identifiers: Orphanet 247262, MedGen C3553637, MONDO:0013882, OMIM 614749.

Submission:

Labcorp Genetics (formerly Invitae), Labcorp
Classification: Uncertain significance for Hyperphosphatasia with impaired intellectual development syndrome 2. Last evaluated: 2022-04-20. Review status: criteria provided, single submitter. Criteria: Invitae Variant Classification Sherloc (09022015). Collection method: clinical testing. Allele origin: germline.
Comment: This sequence change replaces glutamine, which is neutral and polar, with glutamic acid, which is acidic and polar, at codon 1088 of the PIGO protein (p.Gln1088Glu). Information on the frequency of this variant in the gnomAD database is not available, as this variant may be reported differently in the database. This variant has not been reported in the literature in individuals affected with PIGO-related conditions. Experimental studies and prediction algorithms are not available or were not evaluated, and the functional significance of this variant is currently unknown. In summary, the available evidence is currently insufficient to determine the role of this variant in disease. Therefore, it has been classified as a Variant of Uncertain Significance.

NM_032634.4(PIGO):c.3261_3262delinsAG (p.Gln1088Glu)

Gene: PIGO (phosphatidylinositol glycan anchor biosynthesis class O; minus strand). Cytogenetic location: 9p13.3.
Variant type: Indel.
Coding change: c.3261_3262delinsAG on transcript NM_032634.4 (MANE Select); coding-DNA positions 3261 to 3262, GC replaced by AG.
Protein change: p.Gln1088Glu; replaces glutamine 1088 with glutamic acid.
Molecular consequence: missense variant.
Genome position (GRCh38, 1-based): chr9:35,089,100-35,089,101, GC replaced by CT on the plus strand (GC replaced by AG on the coding strand, the reverse complement: PIGO is on the minus strand). VCF-style: chr9-35089100-GC-CT. GRCh37 (hg19) VCF-style: chr9-35089097-GC-CT.
Other names: c.2010_2011delinsAG, p.Gln671Glu (NM_001201484.2, NM_152850.4); short protein forms Q1088E, Q671E.
Identifiers: ClinVar variation 2128496 (VCV002128496.1), dbSNP rs2490427665, ClinGen allele CA2580080387.